The following is an entry in ClinVar:

ClinVar aggregate classification (germline): Uncertain significance (1 of 4 stars; one submission).

gnomAD v4.1: 1 of 1,603,778 alleles (0.000062%); highest among the groups gnomAD compares: East Asian, 0.0022%; no homozygotes.

Submission:

Women's Health and Genetics/Laboratory Corporation of America, LabCorp
Classification: Uncertain significance. Last evaluated: 2025-10-22. Review status: criteria provided, single submitter. Criteria: LabCorp Variant Classification Summary - May 2015. Collection method: clinical testing. Allele origin: germline.
Comment: Variant summary: CFTR c.172G>T (p.Asp58Tyr) results in a non-conservative amino acid change in the encoded protein sequence. Algorithms developed to predict the effect of missense changes on protein structure and function all suggest that this variant is likely to be disruptive. The variant was absent in 250782 control chromosomes (gnomAD). The available data on variant occurrences in the general population are insufficient to allow any conclusion about variant significance. To our knowledge, no occurrence of c.172G>T in individuals affected with CFTR-related conditions and no experimental evidence demonstrating its impact on protein function have been reported. A different variant affecting the same codon has been classified as likely pathogenic by our lab (c.172G>A, p.Asp58Asn), supporting the critical relevance of codon 58 to CFTR protein function. No submitters have cited clinical-significance assessments for this variant to ClinVar. Based on the evidence outlined above, the variant was classified as uncertain significance.

NM_000492.4(CFTR):c.172G>T (p.Asp58Tyr)

Genes: CFTR (CF transmembrane conductance regulator; plus strand), LOC113664106 (CFTR intron 2 DNase I hypersensitive site; plus strand). Cytogenetic location: 7q31.2.
Variant type: single nucleotide variant.
Coding change: c.172G>T on transcript NM_000492.4 (MANE Select); coding-DNA position 172, G replaced by T.
Protein change: p.Asp58Tyr; replaces aspartic acid 58 with tyrosine.
Molecular consequence: missense variant.
Genome position (GRCh38, 1-based): chr7:117,509,041, G>T. VCF-style: chr7-117509041-G-T. GRCh37 (hg19) VCF-style: chr7-117149095-G-T.
Other names: short protein forms D58Y.
Identifiers: ClinVar variation 4687111 (VCV004687111.1).